The following is an entry in ClinVar:

NM_003059.3(SLC22A4):c.445T>C (p.Phe149Leu)

Genes: SLC22A4 (solute carrier family 22 member 4; plus strand), MIR3936HG (MIR3936 host gene; minus strand). Cytogenetic location: 5q31.1.
Variant type: single nucleotide variant.
Coding change: c.445T>C on transcript NM_003059.3 (MANE Select); coding-DNA position 445, T replaced by C.
Protein change: p.Phe149Leu; replaces phenylalanine 149 with leucine.
Molecular consequence: missense variant. On other transcripts: non-coding transcript variant (1).
Genome position (GRCh38, 1-based): chr5:132,312,212, T>C. VCF-style: chr5-132312212-T-C. GRCh37 (hg19) VCF-style: chr5-131647905-T-C.
Other names: short protein forms F149L.
Identifiers: ClinVar variation 2873046 (VCV002873046.3), dbSNP rs1286049834, ClinGen allele CA360803087.

ClinVar aggregate classification (germline): Uncertain significance (1 of 4 stars; one submission).

Allele frequency attached by ClinVar (database versions not stated): gnomAD exomes 0.00001.
gnomAD v4.1: 4 of 1,614,002 alleles (0.00025%); highest among the groups gnomAD compares: Admixed American, 0.0067%; no homozygotes.

Submission:

Labcorp Genetics (formerly Invitae), Labcorp
Classification: Uncertain significance. Last evaluated: 2025-08-04. Review status: criteria provided, single submitter. Criteria: Invitae Variant Classification Sherloc (09022015). Collection method: clinical testing. Allele origin: germline.
Comment: This sequence change replaces phenylalanine, which is neutral and non-polar, with leucine, which is neutral and non-polar, at codon 149 of the SLC22A4 protein (p.Phe149Leu). This variant is present in population databases (no rsID available, gnomAD 0.006%). This variant has not been reported in the literature in individuals affected with SLC22A4-related conditions. ClinVar contains an entry for this variant (Variation ID: 2873046). Invitae Evidence Modeling of protein sequence and biophysical properties (such as structural, functional, and spatial information, amino acid conservation, physicochemical variation, residue mobility, and thermodynamic stability) indicates that this missense variant is not expected to disrupt SLC22A4 protein function with a negative predictive value of 80%. In summary, the available evidence is currently insufficient to determine the role of this variant in disease. Therefore, it has been classified as a Variant of Uncertain Significance.